The following is an entry in ClinVar:

ClinVar aggregate classification (germline): Uncertain significance (1 of 4 stars; one submission).

gnomAD v4.1: 3 of 1,614,112 alleles (0.00019%); highest among the groups gnomAD compares: African/African-American, 0.0027%; no homozygotes.

Submission:

GeneDx
Classification: Uncertain significance. Last evaluated: 2026-03-26. Review status: criteria provided, single submitter. Criteria: GeneDx Variant Classification Process June 2021. Collection method: clinical testing. Allele origin: germline.
Comment: Not observed at significant frequency in large population cohorts (gnomAD); In silico analysis supports that this missense variant has a deleterious effect on protein structure/function; Has not been previously published as pathogenic or benign to our knowledge

NM_000313.4(PROS1):c.455A>G (p.Glu152Gly)

Gene: PROS1 (protein S; minus strand). Cytogenetic location: 3q11.1.
Variant type: single nucleotide variant.
Coding change: c.455A>G on transcript NM_000313.4 (MANE Select); coding-DNA position 455, A replaced by G.
Protein change: p.Glu152Gly; replaces glutamic acid 152 with glycine.
Molecular consequence: missense variant.
Genome position (GRCh38, 1-based): chr3:93,906,035, T>C on the plus strand (A>G on the coding strand, the complement: PROS1 is on the minus strand). VCF-style: chr3-93906035-T-C. GRCh37 (hg19) VCF-style: chr3-93624879-T-C.
Other names: c.551A>G, p.Glu184Gly (NM_001314077.2); short protein forms E152G, E184G.
Identifiers: ClinVar variation 5017598 (VCV005017598.1).